The following is an entry in ClinVar:

ClinVar aggregate classification (germline): Uncertain significance. Review status: criteria provided, multiple submitters, no conflicts (2 of 4 stars). 2 submissions from 2 submitters: Uncertain significance (2). Last evaluated 2026-06-28.

Submissions (2):

Ambry Genetics
Classification: Uncertain significance. Last evaluated: 2026-06-28. Review status: criteria provided, single submitter. Criteria: Ambry Variant Classification Scheme 2023. Collection method: clinical testing. Allele origin: germline.
Comment: The p.S138T variant (also known as c.413G>C), located in coding exon 3 of the GFI1 gene, results from a G to C substitution at nucleotide position 413. The serine at codon 138 is replaced by threonine, an amino acid with similar properties. This amino acid position is conserved. In addition, this alteration is predicted to be tolerated by in silico analysis. Based on the available evidence, the clinical significance of this variant remains unclear.

Blueprint Genetics
Classification: Uncertain significance. Last evaluated: 2019-11-06. Review status: criteria provided, single submitter. Criteria: ACMG Guidelines, 2015. Collection method: clinical testing. Allele origin: germline.

NM_005263.5(GFI1):c.413G>C (p.Ser138Thr)

Gene: GFI1 (growth factor independent 1 transcriptional repressor; minus strand). Cytogenetic location: 1p22.1.
Variant type: single nucleotide variant.
Coding change: c.413G>C on transcript NM_005263.5 (MANE Select); coding-DNA position 413, G replaced by C.
Protein change: p.Ser138Thr; replaces serine 138 with threonine.
Molecular consequence: missense variant.
Genome position (GRCh38, 1-based): chr1:92,480,974, C>G on the plus strand (G>C on the coding strand, the complement: GFI1 is on the minus strand). VCF-style: chr1-92480974-C-G. GRCh37 (hg19) VCF-style: chr1-92946531-C-G.
Other names: c.413G>C, p.Ser138Thr (NM_001127215.3, NM_001127216.3); short protein forms S138T.
Identifiers: ClinVar variation 4895943 (VCV004895943.2).